The following is an entry in ClinVar:

NM_024675.4(PALB2):c.2835-7G>A

Gene: PALB2 (partner and localizer of BRCA2; minus strand). Cytogenetic location: 16p12.2.
Variant type: single nucleotide variant.
Coding change: c.2835-7G>A on transcript NM_024675.4 (MANE Select); 7 bases into the intron before coding-DNA position 2835, G replaced by A.
Molecular consequence: intron variant.
Genome position (GRCh38, 1-based): chr16:23,623,137, C>T on the plus strand (G>A on the coding strand, the complement: PALB2 is on the minus strand). VCF-style: chr16-23623137-C-T. GRCh37 (hg19) VCF-style: chr16-23634458-C-T.
Identifiers: ClinVar variation 410214 (VCV000410214.7), dbSNP rs1060502806, ClinGen allele CA16614819.

ClinVar aggregate classification (germline): Uncertain significance (1 of 4 stars; one submission).

Conditions:
Familial cancer of breast. Also called: BREAST CANCER, FAMILIAL; Hereditary breast cancer; hereditary breast carcinoma. Identifiers: Orphanet 227535, MedGen C0346153, MONDO:0016419, OMIM 114480. Disease mechanism: loss of function.

Submission:

Labcorp Genetics (formerly Invitae), Labcorp
Classification: Uncertain significance for Familial cancer of breast. Last evaluated: 2024-08-14. Review status: criteria provided, single submitter. Criteria: Invitae Variant Classification Sherloc (09022015). Collection method: clinical testing. Allele origin: germline.
Comment: This sequence change falls in intron 8 of the PALB2 gene. It does not directly change the encoded amino acid sequence of the PALB2 protein. RNA analysis indicates that this variant induces altered splicing and may result in an absent or altered protein product. This variant is not present in population databases (gnomAD no frequency). This variant has not been reported in the literature in individuals affected with PALB2-related conditions. ClinVar contains an entry for this variant (Variation ID: 410214). Studies have shown that this variant results in activation of a cryptic splice site, and produces a non-functional protein and/or introduces a premature termination codon (Invitae). In summary, the available evidence is currently insufficient to determine the role of this variant in disease. Therefore, it has been classified as a Variant of Uncertain Significance.